The following is an entry in ClinVar:

ClinVar aggregate classification (germline): Uncertain significance. Review status: criteria provided, multiple submitters, no conflicts (2 of 4 stars). 2 submissions from 2 submitters: Uncertain significance (2). Last evaluated 2024-05-23.

Conditions:
Hereditary cancer-predisposing syndrome. Also called: Tumor predisposition; Neoplastic Syndromes, Hereditary; Hereditary Cancer Syndrome; Hereditary neoplastic syndrome. Identifiers: Orphanet 140162, MedGen C0027672, MeSH D009386, MONDO:0015356.
Ataxia-telangiectasia syndrome (AT). Also called: ATAXIA-TELANGIECTASIA, COMPLEMENTATION GROUP A; ATAXIA-TELANGIECTASIA, FRESNO VARIANT; Ataxia-telangiectasia; Ataxia-telangiectasia, complementation group D; AT, COMPLEMENTATION GROUP C; Ataxia-telangiectasia, complementation group E. Identifiers: Orphanet 100, MedGen C0004135, MONDO:0008840, OMIM 208900.

Submissions (2):

Ambry Genetics
Classification: Uncertain significance for Hereditary cancer-predisposing syndrome. Last evaluated: 2024-05-23. Review status: criteria provided, single submitter. Criteria: Ambry Variant Classification Scheme 2023. Collection method: clinical testing. Allele origin: germline.
Comment: The p.E2157G variant (also known as c.6470A>G), located in coding exon 44 of the ATM gene, results from an A to G substitution at nucleotide position 6470. The glutamic acid at codon 2157 is replaced by glycine, an amino acid with similar properties. This amino acid position is highly conserved in available vertebrate species. In addition, this alteration is predicted to be deleterious by in silico analysis. Since supporting evidence is limited at this time, the clinical significance of this alteration remains unclear.

Labcorp Genetics (formerly Invitae), Labcorp
Classification: Uncertain significance for Ataxia-telangiectasia syndrome. Last evaluated: 2022-11-07. Review status: criteria provided, single submitter. Criteria: Invitae Variant Classification Sherloc (09022015). Collection method: clinical testing. Allele origin: germline.
Comment: In summary, the available evidence is currently insufficient to determine the role of this variant in disease. Therefore, it has been classified as a Variant of Uncertain Significance. Algorithms developed to predict the effect of missense changes on protein structure and function are either unavailable or do not agree on the potential impact of this missense change (SIFT: "Tolerated"; PolyPhen-2: "Possibly Damaging"; Align-GVGD: "Class C0"). ClinVar contains an entry for this variant (Variation ID: 826426). This variant has not been reported in the literature in individuals affected with ATM-related conditions. This variant is not present in population databases (gnomAD no frequency). This sequence change replaces glutamic acid, which is acidic and polar, with glycine, which is neutral and non-polar, at codon 2157 of the ATM protein (p.Glu2157Gly).

NM_000051.4(ATM):c.6470A>G (p.Glu2157Gly)

Genes: ATM (ATM serine/threonine kinase; plus strand), C11orf65 (chromosome 11 open reading frame 65; minus strand). Cytogenetic location: 11q22.3.
Variant type: single nucleotide variant.
Coding change: c.6470A>G on transcript NM_000051.4 (MANE Select); coding-DNA position 6470, A replaced by G.
Protein change: p.Glu2157Gly; replaces glutamic acid 2157 with glycine.
Molecular consequence: missense variant. On other transcripts: intron variant (2).
Genome position (GRCh38, 1-based): chr11:108,321,318, A>G. VCF-style: chr11-108321318-A-G. GRCh37 (hg19) VCF-style: chr11-108192045-A-G.
Other names: c.6470A>G, p.Glu2157Gly (NM_001351834.2); c.641-12247T>C (NM_001330368.2); c.*39-12247T>C (NM_001351110.2); short protein forms E2157G.
Identifiers: ClinVar variation 826426 (VCV000826426.15), dbSNP rs1591106982, ClinGen allele CA382553896.